The following is an entry in ClinVar:

NM_000535.7(PMS2):c.903+10A>T

Gene: PMS2 (PMS1 homolog 2, mismatch repair system component; minus strand). Cytogenetic location: 7p22.1.
Variant type: single nucleotide variant.
Coding change: c.903+10A>T on transcript NM_000535.7 (MANE Select); 10 bases into the intron after coding-DNA position 903, A replaced by T.
Molecular consequence: intron variant.
Genome position (GRCh38, 1-based): chr7:5,995,524, T>A on the plus strand (A>T on the coding strand, the complement: PMS2 is on the minus strand). VCF-style: chr7-5995524-T-A. GRCh37 (hg19) VCF-style: chr7-6035155-T-A.
Other names: c.585+10A>T (NM_001322008.2, NM_001322007.2); c.498+10A>T (NM_001322010.2, NM_001322004.2, NM_001322003.2 and 2 more transcripts); c.330+10A>T (NM_001322013.2); c.-31+10A>T (NM_001322012.2, NM_001322011.2); c.594+10A>T (NM_001322015.2); c.903+10A>T (NM_001322006.2, NM_001322014.2).
Identifiers: ClinVar variation 1099443 (VCV001099443.11), dbSNP rs2128774146, ClinGen allele CA2499218971.

ClinVar aggregate classification (germline): Likely benign. Review status: criteria provided, multiple submitters, no conflicts (2 of 4 stars). 3 submissions from 3 submitters: Likely benign (3). Last evaluated 2025-07-18.

Conditions:
Lynch syndrome 4 (LYNCH4). Also called: Hereditary non-polyposis colorectal cancer, type 4; Colorectal cancer, hereditary nonpolyposis, type 4. Identifiers: Orphanet 144, MedGen C1838333, MONDO:0013699, OMIM 614337. Disease mechanism: loss of function.
Hereditary nonpolyposis colorectal neoplasms. Identifiers: MedGen C0009405, MeSH D003123.

Allele frequency attached by ClinVar (database versions not stated): gnomAD exomes below 0.00001.
gnomAD v4.1: 3 of 1,601,510 alleles (0.00019%); highest among the groups gnomAD compares: Non-Finnish European, 0.00026%; no homozygotes.

Submissions (3):

Labcorp Genetics (formerly Invitae), Labcorp
Classification: Likely benign for Hereditary nonpolyposis colorectal neoplasms. Last evaluated: 2025-07-18. Review status: criteria provided, single submitter. Criteria: Invitae Variant Classification Sherloc (09022015). Collection method: clinical testing. Allele origin: germline.

Myriad Genetics, Inc.
Classification: Likely benign for Lynch syndrome 4. Last evaluated: 2025-01-28. Review status: criteria provided, single submitter. Criteria: Myriad Autosomal Dominant, Autosomal Recessive and X-Linked Classification Criteria (2023). Collection method: clinical testing. Allele origin: unknown.
Comment: This variant is considered likely benign. This variant is intronic and is not expected to impact mRNA splicing.

Blueprint Genetics
Classification: Likely benign. Last evaluated: 2024-07-04. Review status: criteria provided, single submitter. Criteria: ACMG Guidelines, 2015. Collection method: clinical testing. Allele origin: germline.